The following is an entry in ClinVar:

ClinVar aggregate classification (germline): Uncertain significance (1 of 4 stars; one submission).

Allele frequency attached by ClinVar (database versions not stated): gnomAD exomes below 0.00001.
gnomAD v4.1: 7 of 1,613,292 alleles (0.00043%); highest among the groups gnomAD compares: Middle Eastern, 0.017%; no homozygotes.

Submission:

Labcorp Genetics (formerly Invitae), Labcorp
Classification: Uncertain significance. Last evaluated: 2024-03-04. Review status: criteria provided, single submitter. Criteria: Invitae Variant Classification Sherloc (09022015). Collection method: clinical testing. Allele origin: germline.
Comment: This sequence change replaces leucine, which is neutral and non-polar, with serine, which is neutral and polar, at codon 205 of the FLVCR1 protein (p.Leu205Ser). This variant is not present in population databases (gnomAD no frequency). This variant has not been reported in the literature in individuals affected with FLVCR1-related conditions. ClinVar contains an entry for this variant (Variation ID: 1507449). Advanced modeling of protein sequence and biophysical properties (such as structural, functional, and spatial information, amino acid conservation, physicochemical variation, residue mobility, and thermodynamic stability) performed at Invitae indicates that this missense variant is not expected to disrupt FLVCR1 protein function with a negative predictive value of 80%. In summary, the available evidence is currently insufficient to determine the role of this variant in disease. Therefore, it has been classified as a Variant of Uncertain Significance.

NM_014053.4(FLVCR1):c.614T>C (p.Leu205Ser)

Gene: FLVCR1 (FLVCR choline and heme transporter 1; plus strand). Cytogenetic location: 1q32.3.
Variant type: single nucleotide variant.
Coding change: c.614T>C on transcript NM_014053.4 (MANE Select); coding-DNA position 614, T replaced by C.
Protein change: p.Leu205Ser; replaces leucine 205 with serine.
Molecular consequence: missense variant.
Genome position (GRCh38, 1-based): chr1:212,859,066, T>C. VCF-style: chr1-212859066-T-C. GRCh37 (hg19) VCF-style: chr1-213032408-T-C.
Other names: short protein forms L205S.
Identifiers: ClinVar variation 1507449 (VCV001507449.7), dbSNP rs2102527592, ClinGen allele CA344797200.